The following is an entry in ClinVar:

NM_001267550.2(TTN):c.92762_92765del (p.Thr30921fs)

Genes: TTN (titin; minus strand), TTN-AS1 (TTN antisense RNA 1; plus strand). Cytogenetic location: 2q31.2.
Variant type: Deletion.
Coding change: c.92762_92765del on transcript NM_001267550.2 (MANE Select); coding-DNA positions 92762 to 92765, 4 bases deleted (CAGC; older notation c.92762_92765delCAGC).
Protein change: p.Thr30921fs; shifts the reading frame from threonine 30921.
Molecular consequence: frameshift variant.
Genome position (GRCh38, 1-based): chr2:178,548,861-178,548,864, GCTG deleted on the plus strand (CAGC on the coding strand, the reverse complement: TTN is on the minus strand). VCF-style (leftmost placement, unchanged base first): chr2-178548860-AGCTG-A. GRCh37 (hg19) VCF-style: chr2-179413587-AGCTG-A.
Other names: c.87839_87842del, p.Thr29280fs (NM_001256850.1); c.65567_65570del, p.Thr21856fs (NM_003319.4); c.85058_85061del, p.Thr28353fs (NM_133378.4); c.65942_65945del, p.Thr21981fs (NM_133432.3); c.66143_66146del, p.Thr22048fs (NM_133437.4); short protein forms T21856fs, T21981fs, T22048fs, T28353fs, T29280fs, T30921fs.
Identifiers: ClinVar variation 1678718 (VCV001678718.2), dbSNP rs2154147735, ClinGen allele CA2573134132.
Genomic context (GRCh38, chr2:178,548,860, plus strand): 5'-ACTGGCCCCAGCTCTAACAACATGAGTCTGTTTGAAGTTTGCATCTATGTCTAACTCAGG[AGCTG>A]TTAACCGGTCAACTGCTTTAATTGTGCCAGTCACTTCACAGCTGTCGCCTTTTCCAGCAC-3'

ClinVar aggregate classification (germline): Likely pathogenic (1 of 4 stars; one submission).

Submission:

GeneDx
Classification: Likely pathogenic. Last evaluated: 2021-10-06. Review status: criteria provided, single submitter. Criteria: GeneDx Variant Classification Process June 2021. Collection method: clinical testing. Allele origin: germline. Affected: yes.
Comment: Frameshift variant predicted to result in protein truncation or nonsense mediated decay in a gene for which loss-of-function is a known mechanism of disease; Not observed at significant frequency in large population cohorts (gnomAD); Has not been previously published as pathogenic or benign to our knowledge; Located in the A-band region of titin, where the majority of truncating pathogenic variants associated with DCM have been reported (Herman et al., 2012); This variant is associated with the following publications: (PMID: 22335739)